The following is an entry in ClinVar:

ClinVar aggregate classification (germline): Uncertain significance. Review status: criteria provided, multiple submitters, no conflicts (2 of 4 stars). 2 submissions from 2 submitters: Uncertain significance (2). Last evaluated 2025-08-21.

Conditions:
Usher syndrome type 3B. Also called: USHER SYNDROME, TYPE IIIB. Identifiers: MedGen C3281066, MONDO:0013788, OMIM 614504.

Allele frequency attached by ClinVar (database versions not stated): TOPMed 0.00002; gnomAD 0.00004.
gnomAD v4.1: 25 of 1,599,664 alleles (0.0016%); highest among the groups gnomAD compares: Non-Finnish European, 0.0018%; no homozygotes.

Submissions (2):

Labcorp Genetics (formerly Invitae), Labcorp
Classification: Uncertain significance for Usher syndrome type 3B. Last evaluated: 2025-08-21. Review status: criteria provided, single submitter. Criteria: Invitae Variant Classification Sherloc (09022015). Collection method: clinical testing. Allele origin: germline.
Comment: This sequence change replaces leucine, which is neutral and non-polar, with methionine, which is neutral and non-polar, at codon 30 of the HARS protein (p.Leu30Met). This variant is present in population databases (no rsID available, gnomAD 0.03%). This variant has not been reported in the literature in individuals affected with HARS-related conditions. ClinVar contains an entry for this variant (Variation ID: 566921). An algorithm developed to predict the effect of missense changes on protein structure and function (PolyPhen-2) suggests that this variant is likely to be disruptive. In summary, the available evidence is currently insufficient to determine the role of this variant in disease. Therefore, it has been classified as a Variant of Uncertain Significance.

Blueprint Genetics
Classification: Uncertain significance. Last evaluated: 2019-01-14. Review status: criteria provided, single submitter. Criteria: ACMG Guidelines, 2015. Collection method: clinical testing. Allele origin: germline.

NM_002109.6(HARS1):c.88C>A (p.Leu30Met)

Genes: HARS1 (histidyl-tRNA synthetase 1; minus strand), LOC129994848 (ATAC-STARR-seq lymphoblastoid active region 23285; plus strand). Cytogenetic location: 5q31.3.
Variant type: single nucleotide variant.
Coding change: c.88C>A on transcript NM_002109.6 (MANE Select); coding-DNA position 88, C replaced by A.
Protein change: p.Leu30Met; replaces leucine 30 with methionine.
Molecular consequence: missense variant. On other transcripts: intron variant (1).
Genome position (GRCh38, 1-based): chr5:140,691,217, G>T on the plus strand (C>A on the coding strand, the complement: HARS1 is on the minus strand). VCF-style: chr5-140691217-G-T. GRCh37 (hg19) VCF-style: chr5-140070802-G-T.
Other names: c.88C>A, p.Leu30Met (NM_001258040.3, NM_001258041.3, NM_001258042.3 and 2 more transcripts); c.3+85C>A (NM_001289094.2); short protein forms L30M.
Identifiers: ClinVar variation 566921 (VCV000566921.10), dbSNP rs1247070065, ClinGen allele CA361191615.